The following is an entry in ClinVar:

NM_001042492.3(NF1):c.860A>T (p.Asp287Val)

Gene: NF1 (neurofibromin 1; plus strand). Cytogenetic location: 17q11.2.
Variant type: single nucleotide variant.
Coding change: c.860A>T on transcript NM_001042492.3 (MANE Select); coding-DNA position 860, A replaced by T.
Protein change: p.Asp287Val; replaces aspartic acid 287 with valine.
Molecular consequence: missense variant.
Genome position (GRCh38, 1-based): chr17:31,182,637, A>T. VCF-style: chr17-31182637-A-T. GRCh37 (hg19) VCF-style: chr17-29509655-A-T.
Other names: c.860A>T, p.Asp287Val (NM_000267.4, NM_001128147.3); short protein forms D287V.
Identifiers: ClinVar variation 3237989 (VCV003237989.1), dbSNP rs2143786703.

ClinVar aggregate classification (germline): Uncertain significance (1 of 4 stars; one submission).

Conditions:
Hereditary cancer-predisposing syndrome. Also called: Neoplastic Syndromes, Hereditary; Tumor predisposition; Hereditary neoplastic syndrome; Hereditary Cancer Syndrome. Identifiers: Orphanet 140162, MedGen C0027672, MeSH D009386, MONDO:0015356.
Cardiovascular phenotype. Identifiers: MedGen CN230736.

Submission:

Ambry Genetics
Classification: Uncertain significance for Cardiovascular phenotype; Hereditary cancer-predisposing syndrome. Last evaluated: 2023-09-14. Review status: criteria provided, single submitter. Criteria: Ambry Variant Classification Scheme 2023. Collection method: clinical testing. Allele origin: germline.
Comment: The p.D287V variant (also known as c.860A>T), located in coding exon 8 of the NF1 gene, results from an A to T substitution at nucleotide position 860. The aspartic acid at codon 287 is replaced by valine, an amino acid with highly dissimilar properties. This amino acid position is conserved. In addition, the in silico prediction for this alteration is inconclusive. Since supporting evidence is limited at this time, the clinical significance of this alteration remains unclear.